The following is an entry in ClinVar:

ClinVar aggregate classification (germline): Uncertain significance. Review status: criteria provided, multiple submitters, no conflicts (2 of 4 stars). 5 submissions from 5 submitters: Uncertain significance (5). Last evaluated 2025-07-03.

Conditions:
Tumor predisposition syndrome 3 (TPDS3). Also called: Glioma susceptibility 9; LONG TELOMERE SYNDROME, POT1-RELATED; POT1 Tumor Predisposition; Melanoma, cutaneous malignant, susceptibility to, 10. Identifiers: Orphanet 618, MedGen C4014476, MONDO:0014368, OMIM 615848.
Hereditary cancer-predisposing syndrome. Also called: Tumor predisposition; Hereditary Cancer Syndrome; Hereditary neoplastic syndrome; Neoplastic Syndromes, Hereditary. Identifiers: Orphanet 140162, MedGen C0027672, MeSH D009386, MONDO:0015356.

Allele frequency attached by ClinVar (database versions not stated): gnomAD below 0.00001 and 0.00001; gnomAD exomes 0.00001; ExAC 0.00002.

Submissions (5):

Labcorp Genetics (formerly Invitae), Labcorp
Classification: Uncertain significance for Tumor predisposition syndrome 3. Last evaluated: 2025-07-03. Review status: criteria provided, single submitter. Criteria: Invitae Variant Classification Sherloc (09022015). Collection method: clinical testing. Allele origin: germline.
Comment: This sequence change replaces arginine, which is basic and polar, with cysteine, which is neutral and slightly polar, at codon 361 of the POT1 protein (p.Arg361Cys). This variant is present in population databases (rs372317646, gnomAD 0.007%). This variant has not been reported in the literature in individuals affected with POT1-related conditions. ClinVar contains an entry for this variant (Variation ID: 436393). Invitae Evidence Modeling of protein sequence and biophysical properties (such as structural, functional, and spatial information, amino acid conservation, physicochemical variation, residue mobility, and thermodynamic stability) indicates that this missense variant is not expected to disrupt POT1 protein function with a negative predictive value of 80%. In summary, the available evidence is currently insufficient to determine the role of this variant in disease. Therefore, it has been classified as a Variant of Uncertain Significance.

Ambry Genetics
Classification: Uncertain significance for Hereditary cancer-predisposing syndrome. Last evaluated: 2025-03-11. Review status: criteria provided, single submitter. Criteria: Ambry Variant Classification Scheme 2023. Collection method: clinical testing. Allele origin: germline.
Comment: The p.R361C variant (also known as c.1081C>T), located in coding exon 9 of the POT1 gene, results from a C to T substitution at nucleotide position 1081. The arginine at codon 361 is replaced by cysteine, an amino acid with highly dissimilar properties. This amino acid position is highly conserved in available vertebrate species. In addition, this alteration is predicted to be deleterious by in silico analysis. Based on the available evidence, the clinical significance of this variant remains unclear.

GeneDx
Classification: Uncertain significance. Last evaluated: 2024-04-02. Review status: criteria provided, single submitter. Criteria: GeneDx Variant Classification Process June 2021. Collection method: clinical testing. Allele origin: germline. Affected: yes.
Comment: Not observed at significant frequency in large population cohorts (gnomAD); In silico analysis supports that this missense variant has a deleterious effect on protein structure/function; Has not been previously published as pathogenic or benign to our knowledge; This variant is associated with the following publications: (PMID: 27149842, 28393830)

Sema4
Classification: Uncertain significance for Hereditary cancer-predisposing syndrome. Last evaluated: 2021-11-15. Review status: criteria provided, single submitter. Criteria: Sema4 Curation Guidelines. Collection method: curation. Allele origin: germline.
Comment: The POT1 c.1081C>T (p.R361C) variant has not been reported in the literature to our knowledge. It was observed in 2/30096 chromosomes of the South Asian subpopulation in the large and broad cohorts of the Genome Aggregation Database (PMID: 32461654), and has been reported in ClinVar (Variation ID: 436393). Functional studies have not been performed, and in silico predictions of the variant's effect on protein function are inconclusive. The evidence is insufficient to meet ACMG/AMP criteria for classifying the variant as benign or pathogenic. Thus, the clinical significance of this variant is currently uncertain.

Genetic Services Laboratory, University of Chicago
Classification: Uncertain significance. Last evaluated: 2017-05-31. Review status: criteria provided, single submitter. Criteria: ACMG Guidelines, 2015. Collection method: clinical testing. Allele origin: germline. Affected: no.

NM_015450.3(POT1):c.1081C>T (p.Arg361Cys)

Gene: POT1 (protection of telomeres 1; minus strand). Cytogenetic location: 7q31.33.
Variant type: single nucleotide variant.
Coding change: c.1081C>T on transcript NM_015450.3 (MANE Select); coding-DNA position 1081, C replaced by T.
Protein change: p.Arg361Cys; replaces arginine 361 with cysteine.
Molecular consequence: missense variant. On other transcripts: non-coding transcript variant (3).
Genome position (GRCh38, 1-based): chr7:124,842,889, G>A on the plus strand (C>T on the coding strand, the complement: POT1 is on the minus strand). VCF-style: chr7-124842889-G-A. GRCh37 (hg19) VCF-style: chr7-124482943-G-A.
Other names: c.688C>T, p.Arg230Cys (NM_001042594.2); short protein forms R361C, R230C.
Identifiers: ClinVar variation 436393 (VCV000436393.17), dbSNP rs372317646, ClinGen allele CA4465231.